The following is an entry in ClinVar:

ClinVar aggregate classification (germline): Uncertain significance (1 of 4 stars; one submission).

Submission:

Labcorp Genetics (formerly Invitae), Labcorp
Classification: Uncertain significance. Last evaluated: 2024-06-12. Review status: criteria provided, single submitter. Criteria: Invitae Variant Classification Sherloc (09022015). Collection method: clinical testing. Allele origin: germline.
Comment: This sequence change replaces serine, which is neutral and polar, with arginine, which is basic and polar, at codon 391 of the RIMS1 protein (p.Ser391Arg). This variant is not present in population databases (gnomAD no frequency). This variant has not been reported in the literature in individuals affected with RIMS1-related conditions. An algorithm developed to predict the effect of missense changes on protein structure and function (PolyPhen-2) suggests that this variant is likely to be disruptive. In summary, the available evidence is currently insufficient to determine the role of this variant in disease. Therefore, it has been classified as a Variant of Uncertain Significance.

NM_014989.7(RIMS1):c.1173C>G (p.Ser391Arg)

Gene: RIMS1 (regulating synaptic membrane exocytosis 1; plus strand). Cytogenetic location: 6q13.
Variant type: single nucleotide variant.
Coding change: c.1173C>G on transcript NM_014989.7 (MANE Select); coding-DNA position 1173, C replaced by G.
Protein change: p.Ser391Arg; replaces serine 391 with arginine.
Molecular consequence: missense variant.
Genome position (GRCh38, 1-based): chr6:72,182,644, C>G. VCF-style: chr6-72182644-C-G. GRCh37 (hg19) VCF-style: chr6-72892347-C-G.
Other names: short protein forms S391R.
Identifiers: ClinVar variation 3684751 (VCV003684751.2).